The following is an entry in ClinVar:

ClinVar aggregate classification (germline): Uncertain significance. Review status: criteria provided, multiple submitters, no conflicts (2 of 4 stars). 3 submissions from 3 submitters: Uncertain significance (3). Last evaluated 2025-06-28.

Conditions:
Hereditary cancer-predisposing syndrome. Also called: Hereditary Cancer Syndrome; Tumor predisposition; Neoplastic Syndromes, Hereditary; Hereditary neoplastic syndrome. Identifiers: Orphanet 140162, MedGen C0027672, MeSH D009386, MONDO:0015356.
Gastrointestinal stromal tumor. Also called: Gastrointestinal stromal tumor, somatic; Gastrointestinal stroma tumor. Identifiers: Orphanet 44890, MedGen C0238198, MeSH D046152, MONDO:0011719, OMIM 606764, HP:0100723.
Pheochromocytoma. Also called: MAX-Related Hereditary Paraganglioma-Pheochromocytoma Syndrome. Identifiers: Orphanet 29072, MedGen C0031511, MONDO:0008233, OMIM 171300, HP:0002666.
Pheochromocytoma/paraganglioma syndrome 4. Also called: PARAGANGLIOMA, FAMILIAL MALIGNANT; PARAGANGLIOMAS, HEREDITARY EXTRAADRENAL; PHEOCHROMOCYTOMA, FAMILIAL EXTRAADRENAL; SDHB-Related Hereditary Paraganglioma-Pheochromocytoma Syndrome (Paragangliomas 4); CAROTID BODY TUMORS AND MULTIPLE EXTRAADRENAL PHEOCHROMOCYTOMAS; SDHB-Related Hereditary Paraganglioma-Pheochromocytoma Syndrome. Identifiers: Orphanet 29072, MedGen C1861848, MONDO:0007273, OMIM 115310.

Allele frequency attached by ClinVar (database versions not stated): ExAC 0.00001; gnomAD 0.00001; TOPMed 0.00001.

Submissions (3):

Ambry Genetics
Classification: Uncertain significance for Hereditary cancer-predisposing syndrome. Last evaluated: 2025-06-28. Review status: criteria provided, single submitter. Criteria: Ambry Variant Classification Scheme 2023. Collection method: clinical testing. Allele origin: germline.
Comment: The p.K55R variant (also known as c.164A>G), located in coding exon 2 of the SDHB gene, results from an A to G substitution at nucleotide position 164. The lysine at codon 55 is replaced by arginine, an amino acid with highly similar properties. This amino acid position is conserved. In addition, the in silico prediction for this alteration is inconclusive. Since supporting evidence is limited at this time, the clinical significance of this alteration remains unclear.

Department of Pathology and Laboratory Medicine, Sinai Health System
Classification: Uncertain significance for Gastrointestinal stromal tumor. Last evaluated: 2023-11-21. Review status: criteria provided, single submitter. Criteria: ACMG Guidelines, 2015. Collection method: clinical testing. Allele origin: germline. Affected: yes.

Labcorp Genetics (formerly Invitae), Labcorp
Classification: Uncertain significance for Gastrointestinal stromal tumor; Pheochromocytoma/paraganglioma syndrome 4; Pheochromocytoma. Last evaluated: 2023-09-10. Review status: criteria provided, single submitter. Criteria: Invitae Variant Classification Sherloc (09022015). Collection method: clinical testing. Allele origin: germline.
Comment: This variant has not been reported in the literature in individuals affected with SDHB-related conditions. This variant is present in population databases (rs764843485, gnomAD 0.007%). This sequence change replaces lysine, which is basic and polar, with arginine, which is basic and polar, at codon 55 of the SDHB protein (p.Lys55Arg). Advanced modeling of protein sequence and biophysical properties (such as structural, functional, and spatial information, amino acid conservation, physicochemical variation, residue mobility, and thermodynamic stability) performed at Invitae indicates that this missense variant is not expected to disrupt SDHB protein function. In summary, the available evidence is currently insufficient to determine the role of this variant in disease. Therefore, it has been classified as a Variant of Uncertain Significance. ClinVar contains an entry for this variant (Variation ID: 583392).

NM_003000.3(SDHB):c.164A>G (p.Lys55Arg)

Gene: SDHB (succinate dehydrogenase complex iron sulfur subunit B; minus strand). Cytogenetic location: 1p36.13.
Variant type: single nucleotide variant.
Coding change: c.164A>G on transcript NM_003000.3 (MANE Select); coding-DNA position 164, A replaced by G.
Protein change: p.Lys55Arg; replaces lysine 55 with arginine.
Molecular consequence: missense variant.
Genome position (GRCh38, 1-based): chr1:17,044,797, T>C on the plus strand (A>G on the coding strand, the complement: SDHB is on the minus strand). VCF-style: chr1-17044797-T-C. GRCh37 (hg19) VCF-style: chr1-17371292-T-C.
Other names: short protein forms K55R.
Identifiers: ClinVar variation 583392 (VCV000583392.10), dbSNP rs764843485, ClinGen allele CA089520.